The following is an entry in ClinVar:

ClinVar aggregate classification (germline): Uncertain significance (1 of 4 stars; one submission).

Conditions:
Inborn genetic diseases. Identifiers: MedGen C0950123, MeSH D030342.

Submission:

Ambry Genetics
Classification: Uncertain significance for Inborn genetic diseases. Last evaluated: 2024-11-21. Review status: criteria provided, single submitter. Criteria: Ambry Variant Classification Scheme 2023. Collection method: clinical testing. Allele origin: germline.
Comment: The p.L1404F variant (also known as c.4212A>C), located in coding exon 1 of the SAMD9 gene, results from an A to C substitution at nucleotide position 4212. The leucine at codon 1404 is replaced by phenylalanine, an amino acid with highly similar properties. This amino acid position is conserved. In addition, this alteration is predicted to be tolerated by in silico analysis. Based on the available evidence, the clinical significance of this variant remains unclear.

NM_017654.4(SAMD9):c.4212A>C (p.Leu1404Phe)

Gene: SAMD9 (sterile alpha motif domain containing 9; minus strand). Cytogenetic location: 7q21.2.
Variant type: single nucleotide variant.
Coding change: c.4212A>C on transcript NM_017654.4 (MANE Select); coding-DNA position 4212, A replaced by C.
Protein change: p.Leu1404Phe; replaces leucine 1404 with phenylalanine.
Molecular consequence: missense variant.
Genome position (GRCh38, 1-based): chr7:93,101,886, T>G on the plus strand (A>C on the coding strand, the complement: SAMD9 is on the minus strand). VCF-style: chr7-93101886-T-G. GRCh37 (hg19) VCF-style: chr7-92731199-T-G.
Other names: c.4212A>C, p.Leu1404Phe (NM_001193307.2); short protein forms L1404F.
Identifiers: ClinVar variation 3437011 (VCV003437011.1).